The following is an entry in ClinVar:

ClinVar aggregate classification (germline): Pathogenic (1 of 4 stars; one submission).

Conditions:
Usher syndrome type 1 (USH1). Also called: RETINITIS PIGMENTOSA AND CONGENITAL DEAFNESS. Identifiers: Orphanet 231169, Orphanet 886, MedGen C1568247, MONDO:0010168, OMIM 276900.

Submission:

King Laboratory, University of Washington
Classification: Pathogenic for Usher syndrome type 1. Last evaluated: 2020-08-01. Review status: criteria provided, single submitter. Criteria: Abu Rayyan A et al. (Proc Natl Acad Sci U S A 2020). Collection method: research. Allele origin: germline. Affected: yes.
Comment: MYO7A c.6229dup leads to a premature stop codon 2128. It is homozygous in 2 Palestinian sisters with severe to profound pre-lingual hearing loss and Usher syndrome type I (Abu Rayyan 2020). The variant is absent from 1300 Palestinian controls and absent from gnomAD v2.1.1.

NM_000260.4(MYO7A):c.6229dup (p.Trp2077fs)

Gene: MYO7A (myosin VIIA; plus strand). Cytogenetic location: 11q13.5.
Variant type: Duplication.
Coding change: c.6229dup on transcript NM_000260.4 (MANE Select); coding-DNA position 6229, one base duplicated (T; older notation c.6229dupT).
Protein change: p.Trp2077fs; shifts the reading frame from tryptophan 2077.
Molecular consequence: frameshift variant.
Genome position (GRCh38, 1-based): chr11:77,211,329, T duplicated. VCF-style (leftmost placement, unchanged base first): chr11-77211328-C-CT. GRCh37 (hg19) VCF-style: chr11-76922373-C-CT.
Other names: NM_000260.3:c.6229dup; c.6115dup, p.Trp2039fs (NM_001127180.2); c.6082dup, p.Trp2028fs (NM_001369365.1); short protein forms W2028fs, W2039fs, W2077fs.
Identifiers: ClinVar variation 1334124 (VCV001334124.2), dbSNP rs2135785880, ClinGen allele CA2573053568.